The following is an entry in ClinVar:

ClinVar aggregate classification (germline): Likely pathogenic. Review status: criteria provided, multiple submitters, no conflicts (2 of 4 stars). 2 submissions from 2 submitters: Likely pathogenic (2). Last evaluated 2026-03-31.

Conditions:
Poirier-Bienvenu neurodevelopmental syndrome (POBINDS). Identifiers: Orphanet 689397, MedGen C5231482, MONDO:0032889, OMIM 618732.

Submissions (2):

GeneDx
Classification: Likely pathogenic. Last evaluated: 2026-03-31. Review status: criteria provided, single submitter. Criteria: GeneDx Variant Classification Process June 2021. Collection method: clinical testing. Allele origin: germline.
Comment: Observed in a proband and father with clinical features of CSNK2B-related disorder in published literature; however, detailed clinical information was not provided (PMID: 39299904); Nonsense variant predicted to result in protein truncation or nonsense mediated decay in a gene for which loss of function is a known mechanism of disease; Not observed at significant frequency in large population cohorts (gnomAD); This variant is associated with the following publications: (PMID: 39299904)

HudsonAlpha Institute for Biotechnology
Classification: Likely pathogenic for Poirier-Bienvenu neurodevelopmental syndrome. Last evaluated: 2022-04-13. Review status: criteria provided, single submitter. Criteria: ACMG Guidelines, 2015. Collection method: research. Allele origin: paternal. Affected: yes. Observed: 1 variant allele. Study: CSER-HudsonAlpha.
Comment: ACMG codes: PVS1, PM2

NM_001320.7(CSNK2B):c.202C>T (p.Gln68Ter)

Gene: CSNK2B (casein kinase 2 beta; plus strand). Cytogenetic location: 6p21.33.
Variant type: single nucleotide variant.
Coding change: c.202C>T on transcript NM_001320.7 (MANE Select); coding-DNA position 202, C replaced by T.
Protein change: p.Gln68Ter; replaces glutamine 68 with a stop codon.
Molecular consequence: nonsense.
Genome position (GRCh38, 1-based): chr6:31,668,565, C>T. VCF-style: chr6-31668565-C-T. GRCh37 (hg19) VCF-style: chr6-31636342-C-T.
Other names: c.202C>T, p.Gln68Ter (NM_001282385.2); short protein forms Q68*.
Identifiers: ClinVar variation 1684577 (VCV001684577.3), dbSNP rs2151187172, ClinGen allele CA363472921.